The following is an entry in ClinVar:

NM_024408.4(NOTCH2):c.6487G>A (p.Asp2163Asn)

Gene: NOTCH2 (notch receptor 2; minus strand). Cytogenetic location: 1p12.
Variant type: single nucleotide variant.
Coding change: c.6487G>A on transcript NM_024408.4 (MANE Select); coding-DNA position 6487, G replaced by A.
Protein change: p.Asp2163Asn; replaces aspartic acid 2163 with asparagine.
Molecular consequence: missense variant.
Genome position (GRCh38, 1-based): chr1:119,916,235, C>T on the plus strand (G>A on the coding strand, the complement: NOTCH2 is on the minus strand). VCF-style: chr1-119916235-C-T. GRCh37 (hg19) VCF-style: chr1-120458858-C-T.
Other names: short protein forms D2163N.
Identifiers: ClinVar variation 3769450 (VCV003769450.4).

ClinVar aggregate classification (germline): Conflicting classifications of pathogenicity. Review status: criteria provided, conflicting classifications (1 of 4 stars). 3 submissions from 3 submitters: Uncertain significance (2); Likely benign (1). Last evaluated 2026-07-01.

Conditions:
Hajdu-Cheney syndrome (HJCYS). Also called: Acroosteolysis dominant type; ACROOSTEOLYSIS WITH OSTEOPOROSIS AND CHANGES IN SKULL AND MANDIBLE; SERPENTINE FIBULA-POLYCYSTIC KIDNEY SYNDROME. Identifiers: Orphanet 955, MedGen C0917715, MONDO:0007057, OMIM 102500.

gnomAD v4.1: 21 of 1,614,144 alleles (0.0013%); highest among the groups gnomAD compares: East Asian, 0.013%; no homozygotes.

Submissions (3):

CeGaT Center for Human Genetics Tuebingen
Classification: Likely benign. Last evaluated: 2026-07-01. Review status: criteria provided, single submitter. Criteria: CeGaT Center For Human Genetics Tuebingen Variant Classification Criteria Version 2. Collection method: clinical testing. Allele origin: germline. Affected: yes. Observed: 1 variant allele.
Comment: NOTCH2: BP4

Labcorp Genetics (formerly Invitae), Labcorp
Classification: Uncertain significance for Hajdu-Cheney syndrome. Last evaluated: 2025-10-21. Review status: criteria provided, single submitter. Criteria: Invitae Variant Classification Sherloc (09022015). Collection method: clinical testing. Allele origin: germline.
Comment: This sequence change replaces aspartic acid, which is acidic and polar, with asparagine, which is neutral and polar, at codon 2163 of the NOTCH2 protein (p.Asp2163Asn). This variant is present in population databases (rs587624917, gnomAD 0.02%). This variant has not been reported in the literature in individuals affected with NOTCH2-related conditions. ClinVar contains an entry for this variant (Variation ID: 3769450). Invitae Evidence Modeling of protein sequence and biophysical properties (such as structural, functional, and spatial information, amino acid conservation, physicochemical variation, residue mobility, and thermodynamic stability) indicates that this missense variant is not expected to disrupt NOTCH2 protein function with a negative predictive value of 80%. In summary, the available evidence is currently insufficient to determine the role of this variant in disease. Therefore, it has been classified as a Variant of Uncertain Significance.

Women's Health and Genetics/Laboratory Corporation of America, LabCorp
Classification: Uncertain significance. Last evaluated: 2025-01-30. Review status: criteria provided, single submitter. Criteria: LabCorp Variant Classification Summary - May 2015. Collection method: clinical testing. Allele origin: germline.
Comment: Variant summary: NOTCH2 c.6487G>A (p.Asp2163Asn) results in a conservative amino acid change in the encoded protein sequence. Four of five in-silico tools predict a benign effect of the variant on protein function. The variant allele was found at a frequency of 3.6e-05 in 251438 control chromosomes. The available data on variant occurrences in the general population are insufficient to allow any conclusion about variant significance. To our knowledge, no occurrence of c.6487G>A in individuals affected with Hajdu-Cheney Syndrome and no experimental evidence demonstrating its impact on protein function have been reported. No submitters have cited clinical-significance assessments for this variant to ClinVar. Based on the evidence outlined above, the variant was classified as uncertain significance.